The following is an entry in ClinVar:

NM_000038.6(APC):c.6484A>C (p.Asn2162His)

Gene: APC (APC regulator of Wnt signaling pathway; plus strand). Cytogenetic location: 5q22.2.
Variant type: single nucleotide variant.
Coding change: c.6484A>C on transcript NM_000038.6 (MANE Select); coding-DNA position 6484, A replaced by C.
Protein change: p.Asn2162His; replaces asparagine 2162 with histidine.
Molecular consequence: missense variant.
Genome position (GRCh38, 1-based): chr5:112,842,078, A>C. VCF-style: chr5-112842078-A-C. GRCh37 (hg19) VCF-style: chr5-112177775-A-C.
Other names: c.6484A>C, p.Asn2162His (NM_001127510.3, NM_001354895.2); c.6430A>C, p.Asn2144His (NM_001127511.3); c.6538A>C, p.Asn2180His (NM_001354896.2); c.6514A>C, p.Asn2172His (NM_001354897.2); c.6409A>C, p.Asn2137His (NM_001354898.2); c.6400A>C, p.Asn2134His (NM_001354899.2); c.6361A>C, p.Asn2121His (NM_001354900.2); c.6307A>C, p.Asn2103His (NM_001354901.2); and 5 more; short protein forms N2103H, N2137H, N2180H, N2071H, N2172H, N1879H, N2002H, N2036H.
Identifiers: ClinVar variation 1040192 (VCV001040192.49), dbSNP rs1766224879, ClinGen allele CA16035522.

ClinVar aggregate classification (germline): Uncertain significance. Review status: criteria provided, multiple submitters, no conflicts (2 of 4 stars). 2 submissions from 2 submitters: Uncertain significance (2). Last evaluated 2023-04-03.

Conditions:
Classic or attenuated familial adenomatous polyposis. Identifiers: MedGen CN372698, MONDO:0021057.
Familial adenomatous polyposis 1 (FAP1). Also called: FAMILIAL ADENOMATOUS POLYPOSIS 1, ATTENUATED; POLYPOSIS, ADENOMATOUS INTESTINAL. Identifiers: MedGen C2713442, MONDO:0021056, OMIM 175100. Disease mechanism: loss of function.

Allele frequency attached by ClinVar (database versions not stated): gnomAD exomes below 0.00001.
gnomAD v4.1: 1 of 1,610,702 alleles (0.000062%); highest among the groups gnomAD compares: Non-Finnish European, 0.000085%; no homozygotes.

Submissions (2):

All of Us Research Program, National Institutes of Health
Classification: Uncertain significance for Classic or attenuated familial adenomatous polyposis. Last evaluated: 2023-04-03. Review status: criteria provided, single submitter. Criteria: ACMG Guidelines, 2015. Collection method: clinical testing. Allele origin: germline. Inheritance: Autosomal dominant inheritance. Observed: 1 variant allele, 1 heterozygote.
Comment: This missense variant replaces asparagine with histidine at codon 2162 of the APC protein. Computational prediction suggests that this variant may not impact protein structure and function (internally defined REVEL score threshold <= 0.5, PMID: 27666373). To our knowledge, functional studies have not been reported for this variant. This variant has not been reported in individuals affected with APC-related disorders in the literature. This variant has not been identified in the general population by the Genome Aggregation Database (gnomAD). The available evidence is insufficient to determine the role of this variant in disease conclusively. Therefore, this variant is classified as a Variant of Uncertain Significance.

This study involves interpretation of variants in research participants for the purpose of population health screening. Participant phenotype was not available at the time of variant classification. Additional details can be found in publication PMID: 35346344, PMCID: PMC8962531

Labcorp Genetics (formerly Invitae), Labcorp
Classification: Uncertain significance for Familial adenomatous polyposis 1. Last evaluated: 2020-02-18. Review status: criteria provided, single submitter. Criteria: Invitae Variant Classification Sherloc (09022015). Collection method: clinical testing. Allele origin: germline.
Comment: This sequence change replaces asparagine with histidine at codon 2162 of the APC protein (p.Asn2162His). The asparagine residue is highly conserved and there is a small physicochemical difference between asparagine and histidine. This variant is not present in population databases (ExAC no frequency). This variant has not been reported in the literature in individuals with APC-related conditions. Algorithms developed to predict the effect of missense changes on protein structure and function (SIFT, PolyPhen-2, Align-GVGD) all suggest that this variant is likely to be tolerated, but these predictions have not been confirmed by published functional studies and their clinical significance is uncertain. In summary, the available evidence is currently insufficient to determine the role of this variant in disease. Therefore, it has been classified as a Variant of Uncertain Significance.